The following is an entry in ClinVar:

NM_001734.5(C1S):c.346A>G (p.Asn116Asp)

Gene: C1S (complement C1s; plus strand). Cytogenetic location: 12p13.31.
Variant type: single nucleotide variant.
Coding change: c.346A>G on transcript NM_001734.5 (MANE Select); coding-DNA position 346, A replaced by G.
Protein change: p.Asn116Asp; replaces asparagine 116 with aspartic acid.
Molecular consequence: missense variant. On other transcripts: 5 prime UTR variant (1).
Genome position (GRCh38, 1-based): chr12:7,063,022, A>G. VCF-style: chr12-7063022-A-G. GRCh37 (hg19) VCF-style: chr12-7170326-A-G.
Other names: c.-156A>G (NM_001346850.2); c.346A>G, p.Asn116Asp (NM_201442.4); short protein forms N116D.
Identifiers: ClinVar variation 2086561 (VCV002086561.4), dbSNP rs782283468, ClinGen allele CA6423375.

ClinVar aggregate classification (germline): Uncertain significance (1 of 4 stars; one submission).

Allele frequency attached by ClinVar (database versions not stated): gnomAD exomes below 0.00001; ExAC 0.00001.
gnomAD v4.1: 2 of 1,614,120 alleles (0.00012%); highest among the groups gnomAD compares: South Asian, 0.0022%; no homozygotes.

Submission:

Labcorp Genetics (formerly Invitae), Labcorp
Classification: Uncertain significance. Last evaluated: 2022-10-13. Review status: criteria provided, single submitter. Criteria: Invitae Variant Classification Sherloc (09022015). Collection method: clinical testing. Allele origin: germline.
Comment: This variant is present in population databases (rs782283468, gnomAD 0.003%). This sequence change replaces asparagine, which is neutral and polar, with aspartic acid, which is acidic and polar, at codon 116 of the C1S protein (p.Asn116Asp). In summary, the available evidence is currently insufficient to determine the role of this variant in disease. Therefore, it has been classified as a Variant of Uncertain Significance. Advanced modeling of protein sequence and biophysical properties (such as structural, functional, and spatial information, amino acid conservation, physicochemical variation, residue mobility, and thermodynamic stability) has been performed at Invitae for this missense variant, however the output from this modeling did not meet the statistical confidence thresholds required to predict the impact of this variant on C1S protein function. This variant has not been reported in the literature in individuals affected with C1S-related conditions.